The following is an entry in ClinVar:

NM_004589.4(SCO1):c.804A>G (p.Gly268=)

Gene: SCO1 (synthesis of cytochrome C oxidase 1; minus strand). Cytogenetic location: 17p13.1.
Variant type: single nucleotide variant.
Coding change: c.804A>G on transcript NM_004589.4 (MANE Select); coding-DNA position 804, A replaced by G.
Protein change: p.Gly268=; no amino-acid change (glycine 268 retained).
Molecular consequence: synonymous variant.
Genome position (GRCh38, 1-based): chr17:10,681,221, T>C on the plus strand (A>G on the coding strand, the complement: SCO1 is on the minus strand). VCF-style: chr17-10681221-T-C. GRCh37 (hg19) VCF-style: chr17-10584538-T-C.
Identifiers: ClinVar variation 3026325 (VCV003026325.22), dbSNP rs554576712, ClinGen allele CA8393465.

ClinVar aggregate classification (germline): Likely benign (1 of 4 stars; one submission).

Allele frequency attached by ClinVar (database versions not stated): TOPMed below 0.00001; gnomAD 0.00005; gnomAD exomes 0.00008; ExAC 0.00022; 1000 Genomes Project 30x 0.00047; 1000 Genomes Project 0.00060.
gnomAD v4.1: 123 of 1,614,094 alleles (0.0076%); highest among the groups gnomAD compares: South Asian, 0.13%; 2 homozygotes.

Submission:

CeGaT Center for Human Genetics Tuebingen
Classification: Likely benign. Last evaluated: 2023-12-01. Review status: criteria provided, single submitter. Criteria: CeGaT Center For Human Genetics Tuebingen Variant Classification Criteria Version 2. Collection method: clinical testing. Allele origin: germline. Affected: yes. Observed: 1 variant allele.
Comment: SCO1: BP4, BP7